The following is an entry in ClinVar:

NM_020810.3(TRMT5):c.658C>T (p.His220Tyr)

Gene: TRMT5 (tRNA methyltransferase 5; minus strand). Cytogenetic location: 14q23.1.
Variant type: single nucleotide variant.
Coding change: c.658C>T on transcript NM_020810.3 (MANE Select); coding-DNA position 658, C replaced by T.
Protein change: p.His220Tyr; replaces histidine 220 with tyrosine.
Molecular consequence: missense variant.
Genome position (GRCh38, 1-based): chr14:60,979,240, G>A on the plus strand (C>T on the coding strand, the complement: TRMT5 is on the minus strand). VCF-style: chr14-60979240-G-A. GRCh37 (hg19) VCF-style: chr14-61445958-G-A.
Other names: c.742C>T, p.His248Tyr (NM_001350253.1); c.739C>T, p.His247Tyr (NM_001350254.1); short protein forms H247Y, H248Y, H220Y.
Identifiers: ClinVar variation 1491353 (VCV001491353.6), dbSNP rs369844139, ClinGen allele CA7213880.

ClinVar aggregate classification (germline): Uncertain significance (1 of 4 stars; one submission).

Allele frequency attached by ClinVar (database versions not stated): gnomAD exomes 0.00001 and 0.00002; ExAC 0.00002; ESP Exome Variant Server 0.00008.
gnomAD v4.1: 15 of 1,602,816 alleles (0.00094%); highest among the groups gnomAD compares: East Asian, 0.0067%; no homozygotes.

Submission:

Labcorp Genetics (formerly Invitae), Labcorp
Classification: Uncertain significance. Last evaluated: 2021-11-13. Review status: criteria provided, single submitter. Criteria: Invitae Variant Classification Sherloc (09022015). Collection method: clinical testing. Allele origin: germline.
Comment: Algorithms developed to predict the effect of missense changes on protein structure and function (SIFT, PolyPhen-2, Align-GVGD) all suggest that this variant is likely to be tolerated. In summary, the available evidence is currently insufficient to determine the role of this variant in disease. Therefore, it has been classified as a Variant of Uncertain Significance. This variant has not been reported in the literature in individuals affected with TRMT5-related conditions. This variant is present in population databases (rs369844139, gnomAD 0.02%). This sequence change replaces histidine, which is basic and polar, with tyrosine, which is neutral and polar, at codon 220 of the TRMT5 protein (p.His220Tyr).